The following is an entry in ClinVar:

ClinVar aggregate classification (germline): Likely benign (1 of 4 stars; one submission).

Allele frequency attached by ClinVar (database versions not stated): TOPMed 0.00027; gnomAD 0.00036; gnomAD exomes 0.00043; ESP Exome Variant Server 0.00054.
gnomAD v4.1: 683 of 1,613,848 alleles (0.042%); highest among the groups gnomAD compares: Middle Eastern, 0.099%; 1 homozygote.

Submission:

CeGaT Center for Human Genetics Tuebingen
Classification: Likely benign. Last evaluated: 2024-07-01. Review status: criteria provided, single submitter. Criteria: CeGaT Center For Human Genetics Tuebingen Variant Classification Criteria Version 2. Collection method: clinical testing. Allele origin: germline. Affected: yes. Observed: 2 variant alleles.
Comment: TOGARAM1: BP4, BP7

NM_001308120.2(TOGARAM1):c.1494G>A (p.Leu498=)

Gene: TOGARAM1 (TOG array regulator of axonemal microtubules 1; plus strand). Cytogenetic location: 14q21.2.
Variant type: single nucleotide variant.
Coding change: c.1494G>A on transcript NM_001308120.2 (MANE Select); coding-DNA position 1494, G replaced by A.
Protein change: p.Leu498=; no amino-acid change (leucine 498 retained).
Molecular consequence: synonymous variant. On other transcripts: non-coding transcript variant (1).
Genome position (GRCh38, 1-based): chr14:44,963,915, G>A. VCF-style: chr14-44963915-G-A. GRCh37 (hg19) VCF-style: chr14-45433118-G-A.
Other names: c.1494G>A, p.Leu498= (NM_015091.4).
Identifiers: ClinVar variation 3025015 (VCV003025015.22), dbSNP rs143328012, ClinGen allele CA7167079.
Genomic context (GRCh38, chr14:44,963,915, plus strand): 5'-TCTCAAACATAAGCATTCCAGAGTGAGAGAGGAGGTGGTGAACATTTGCATCTGCTCCCT[G>A]CTGACCTATCCTAGTGAGGATTTTGACTTGCCCAAACTGTCCTTTGATCTTGCCCCAGCT-3'
Protein context (NP_001295049.1, residues 488-508): EEVVNICICS[Leu498=]LTYPSEDFDL